The following is an entry in ClinVar:

ClinVar aggregate classification (germline): Likely benign (1 of 4 stars; one submission).

gnomAD v4.1: 11 of 1,580,420 alleles (0.0007%); highest among the groups gnomAD compares: South Asian, 0.0079%; no homozygotes.

Submissions (2):

CeGaT Center for Human Genetics Tuebingen
Classification: Likely benign. Last evaluated: 2026-01-01. Review status: criteria provided, single submitter. Criteria: CeGaT Center For Human Genetics Tuebingen Variant Classification Criteria Version 2. Collection method: clinical testing. Allele origin: germline. Affected: yes. Observed: 1 variant allele.
Comment: SEC31A: BP4, BP7

Dr. Peter K. Rogan Lab, Western University
No classification provided (evidence only). Condition: Malignant tumor of esophagus. Review status: no classification provided. Collection method: in vitro. Allele origin: not applicable. Functional consequence: retained intron. Not counted in ClinVar's aggregate classification.

NM_001077207.4(SEC31A):c.1629C>T (p.His543=)

Gene: SEC31A (SEC31 homolog A, COPII component; minus strand). Cytogenetic location: 4q21.22.
Variant type: single nucleotide variant.
Coding change: c.1629C>T on transcript NM_001077207.4 (MANE Select); coding-DNA position 1629, C replaced by T.
Protein change: p.His543=; no amino-acid change (histidine 543 retained).
Molecular consequence: synonymous variant.
Genome position (GRCh38, 1-based): chr4:82,857,762, G>A on the plus strand (C>T on the coding strand, the complement: SEC31A is on the minus strand). VCF-style: chr4-82857762-G-A. GRCh37 (hg19) VCF-style: chr4-83778915-G-A.
Other names: NC_000004.11:g.83778915G>A; c.1629C>T, p.His543= (NM_001077206.4, NM_001077208.4, NM_001318119.2 and 17 more transcripts); c.1614C>T, p.His538= (NM_001191049.2, NM_001400212.1, NM_001400214.1); c.1512C>T, p.His504= (NM_001300744.3, NM_001300745.3, NM_001400161.1 and 10 more transcripts); c.1551C>T, p.His517= (NM_001400160.1, NM_001400180.1, NM_001400188.1 and 7 more transcripts); c.1590C>T, p.His530= (NM_001400162.1, NM_001400165.1, NM_001400184.1 and 5 more transcripts); c.1350C>T, p.His450= (NM_001400215.1); c.1155C>T, p.His385= (NM_001400224.1).
Identifiers: ClinVar variation 4308397 (VCV004308397.5).